The following is an entry in ClinVar:

ClinVar aggregate classification (germline): Pathogenic (1 of 4 stars; one submission).

Conditions:
Familial adenomatous polyposis 1 (FAP1). Also called: FAMILIAL ADENOMATOUS POLYPOSIS 1, ATTENUATED; POLYPOSIS, ADENOMATOUS INTESTINAL. Identifiers: MedGen C2713442, MONDO:0021056, OMIM 175100. Disease mechanism: loss of function.

Submission:

Myriad Genetics, Inc.
Classification: Pathogenic for Familial adenomatous polyposis 1. Last evaluated: 2023-05-04. Review status: criteria provided, single submitter. Criteria: Myriad Autosomal Dominant, Autosomal Recessive and X-Linked Classification Criteria (2023). Collection method: clinical testing. Allele origin: unknown.
Comment: This variant is considered pathogenic. This variant creates a frameshift predicted to result in premature protein truncation.

NM_000038.6(APC):c.2598_2599delinsC (p.Thr867fs)

Gene: APC (APC regulator of Wnt signaling pathway; plus strand). Cytogenetic location: 5q22.2.
Variant type: Indel.
Coding change: c.2598_2599delinsC on transcript NM_000038.6 (MANE Select); coding-DNA positions 2598 to 2599, AA replaced by C.
Protein change: p.Thr867fs; shifts the reading frame from threonine 867.
Molecular consequence: frameshift variant. On other transcripts: non-coding transcript variant (2).
Genome position (GRCh38, 1-based): chr5:112,838,192-112,838,193, AA replaced by C. VCF-style: chr5-112838192-AA-C. GRCh37 (hg19) VCF-style: chr5-112173889-AA-C.
Other names: c.2598_2599delinsC, p.Thr867fs (NM_001127510.3, NM_001354895.2, NM_001407450.1); c.2544_2545delinsC, p.Thr849fs (NM_001127511.3); c.2652_2653delinsC, p.Thr885fs (NM_001354896.2, NM_001407447.1, NM_001407448.1 and 1 more transcripts); c.2628_2629delinsC, p.Thr877fs (NM_001354897.2); c.2523_2524delinsC, p.Thr842fs (NM_001354898.2); c.2514_2515delinsC, p.Thr839fs (NM_001354899.2); c.2475_2476delinsC, p.Thr826fs (NM_001354900.2); c.2421_2422delinsC, p.Thr808fs (NM_001354901.2, NM_001407453.1); and 11 more; short protein forms T483fs, T584fs, T707fs, T738fs, T741fs, T766fs, T776fs, T784fs.
Identifiers: ClinVar variation 2583928 (VCV002583928.2), dbSNP rs2533435197, ClinGen allele CA2582341332.